The following is an entry in ClinVar:

NM_001191061.2(SLC25A22):c.581T>G (p.Leu194Arg)

Gene: SLC25A22 (solute carrier family 25 member 22; minus strand). Cytogenetic location: 11p15.5.
Variant type: single nucleotide variant.
Coding change: c.581T>G on transcript NM_001191061.2 (MANE Select); coding-DNA position 581, T replaced by G.
Protein change: p.Leu194Arg; replaces leucine 194 with arginine.
Molecular consequence: missense variant.
Genome position (GRCh38, 1-based): chr11:792,559, A>C on the plus strand (T>G on the coding strand, the complement: SLC25A22 is on the minus strand). VCF-style: chr11-792559-A-C. GRCh37 (hg19) VCF-style: chr11-792559-A-C.
Other names: c.581T>G, p.Leu194Arg (NM_001191060.2, NM_024698.6); short protein forms L194R.
Identifiers: ClinVar variation 1878637 (VCV001878637.1), dbSNP rs2494995682, ClinGen allele CA378969390.

ClinVar aggregate classification (germline): Uncertain significance (1 of 4 stars; one submission).

Conditions:
Developmental and epileptic encephalopathy, 3 (DEE3). Also called: Epileptic encephalopathy, early infantile, 3. Identifiers: MedGen C5574665, MONDO:0012245, OMIM 609304.

Submission:

Neuberg Centre For Genomic Medicine, NCGM
Classification: Uncertain significance for Developmental and epileptic encephalopathy, 3. Review status: criteria provided, single submitter. Criteria: ACMG Guidelines, 2015. Collection method: clinical testing. Allele origin: germline. Affected: yes.
Comment: The missense variant p.L194R in SLC25A22 (NM_024698.6) has not been reported previously as a pathogenic variant nor as a benign variant, to our knowledge. The p.L194R variant is novel (not in any individuals) in gnomAD Exomes and is novel (not in any individuals) in 1000 Genomes. There is a moderate physicochemical difference between leucine and arginine. In silico tools are contradictory in their predictions (SIFT-tolerated, Polyphen-2-damaging) and the residue is conserved across species. For these reasons, this variant has been classified as Uncertain Significance